The following is an entry in ClinVar:

NM_015338.6(ASXL1):c.1415C>T (p.Ala472Val)

Gene: ASXL1 (ASXL transcriptional regulator 1; plus strand). Cytogenetic location: 20q11.21.
Variant type: single nucleotide variant.
Coding change: c.1415C>T on transcript NM_015338.6 (MANE Select); coding-DNA position 1415, C replaced by T.
Protein change: p.Ala472Val; replaces alanine 472 with valine.
Molecular consequence: missense variant.
Genome position (GRCh38, 1-based): chr20:32,433,613, C>T. VCF-style: chr20-32433613-C-T. GRCh37 (hg19) VCF-style: chr20-31021416-C-T.
Other names: c.1232C>T, p.Ala411Val (NM_001363734.1); short protein forms A411V, A472V.
Identifiers: ClinVar variation 1413643 (VCV001413643.6), dbSNP rs760377286, ClinGen allele CA9808351.

ClinVar aggregate classification (germline): Uncertain significance (1 of 4 stars; one submission).

Allele frequency attached by ClinVar (database versions not stated): ExAC 0.00001; gnomAD exomes 0.00001; gnomAD 0.00003 and 0.00005; TOPMed 0.00008.
gnomAD v4.1: 12 of 1,613,882 alleles (0.00074%); highest among the groups gnomAD compares: African/African-American, 0.0013%; no homozygotes.

Submission:

Labcorp Genetics (formerly Invitae), Labcorp
Classification: Uncertain significance. Last evaluated: 2025-06-23. Review status: criteria provided, single submitter. Criteria: Invitae Variant Classification Sherloc (09022015). Collection method: clinical testing. Allele origin: germline.
Comment: This sequence change replaces alanine, which is neutral and non-polar, with valine, which is neutral and non-polar, at codon 472 of the ASXL1 protein (p.Ala472Val). This variant is present in population databases (rs760377286, gnomAD 0.002%). This variant has not been reported in the literature in individuals affected with ASXL1-related conditions. ClinVar contains an entry for this variant (Variation ID: 1413643). An algorithm developed to predict the effect of missense changes on protein structure and function outputs the following: PolyPhen-2: "Benign". The valine amino acid residue is found in multiple mammalian species, which suggests that this missense change does not adversely affect protein function. In summary, the available evidence is currently insufficient to determine the role of this variant in disease. Therefore, it has been classified as a Variant of Uncertain Significance.